The following is an entry in ClinVar:

ClinVar aggregate classification (germline): Uncertain significance. Review status: criteria provided, multiple submitters, no conflicts (2 of 4 stars). 2 submissions from 2 submitters: Uncertain significance (2). Last evaluated 2026-08-06.

Conditions:
Autosomal recessive nonsyndromic hearing loss 12. Also called: DEAFNESS, AUTOSOMAL RECESSIVE 12. Identifiers: Orphanet 90636, MedGen C1832394, MONDO:0011067, OMIM 601386.

Allele frequency attached by ClinVar (database versions not stated): gnomAD exomes 0.00004; gnomAD 0.00003; TOPMed 0.00003; ExAC 0.00004.
gnomAD v4.1: 72 of 1,613,284 alleles (0.0045%); highest among the groups gnomAD compares: Admixed American, 0.0067%; no homozygotes.

Submissions (2):

OLLIN Analises Genomicas, OLLIN
Classification: Uncertain significance for Autosomal recessive nonsyndromic hearing loss 12. Last evaluated: 2026-08-06. Review status: criteria provided, single submitter. Criteria: ACMG Guidelines 2015 PMID 25741868. Collection method: clinical testing. Allele origin: germline. Inheritance: Autosomal recessive inheritance.
Comment: This missense variant, located in exon 39 (of 70), has been reported in ClinVar (accession VCV002149721.3) and in gnomAD with an allele frequency of 0.0045%. However, to our knowledge, it has not been reported in the scientific literature. In silico analysis predicts that this variant has a tolerated effect. According to the currently available evidence, this variant has been classified as uncertain significance (BP4_M).

Labcorp Genetics (formerly Invitae), Labcorp
Classification: Uncertain significance. Last evaluated: 2025-08-18. Review status: criteria provided, single submitter. Criteria: Invitae Variant Classification Sherloc (09022015). Collection method: clinical testing. Allele origin: germline.
Comment: This sequence change replaces alanine, which is neutral and non-polar, with threonine, which is neutral and polar, at codon 1631 of the CDH23 protein (p.Ala1631Thr). This variant is present in population databases (rs780170048, gnomAD 0.006%). This variant has not been reported in the literature in individuals affected with CDH23-related conditions. ClinVar contains an entry for this variant (Variation ID: 2149721). An algorithm developed to predict the effect of missense changes on protein structure and function outputs the following: PolyPhen-2: "Not Available". The threonine amino acid residue is found in multiple mammalian species, which suggests that this missense change does not adversely affect protein function. In summary, the available evidence is currently insufficient to determine the role of this variant in disease. Therefore, it has been classified as a Variant of Uncertain Significance.

NM_022124.6(CDH23):c.4891G>A (p.Ala1631Thr)

Gene: CDH23 (cadherin related 23; plus strand). Cytogenetic location: 10q22.1.
Variant type: single nucleotide variant.
Coding change: c.4891G>A on transcript NM_022124.6 (MANE Select); coding-DNA position 4891, G replaced by A.
Protein change: p.Ala1631Thr; replaces alanine 1631 with threonine.
Molecular consequence: missense variant.
Genome position (GRCh38, 1-based): chr10:71,777,725, G>A. VCF-style: chr10-71777725-G-A. GRCh37 (hg19) VCF-style: chr10-73537482-G-A.
Other names: short protein forms A1631T.
Identifiers: ClinVar variation 2149721 (VCV002149721.4), dbSNP rs780170048, ClinGen allele CA5545581.
Genomic context (GRCh38, chr10:71,777,725, plus strand): 5'-CACTCTTTTCCACAGGCCACCACGCACGTGTACGTGACCATTGTGGATGAGAATGATAAC[G>A]CGCCCATGTTCCAGCAGCCCCACTATGAGGTGCTGCTGGATGAGGGCCCAGACACGCTCA-3'
Protein context (NP_071407.4, residues 1621-1641): YVTIVDENDN[Ala1631Thr]PMFQQPHYEV